The following is an entry in ClinVar:

NM_005359.6(SMAD4):c.250-1G>A

Gene: SMAD4 (SMAD family member 4; plus strand). Cytogenetic location: 18q21.2.
Variant type: single nucleotide variant.
Coding change: c.250-1G>A on transcript NM_005359.6 (MANE Select); the canonical splice acceptor site of the intron before coding-DNA position 250, G replaced by A.
Molecular consequence: splice acceptor variant.
Genome position (GRCh38, 1-based): chr18:51,048,685, G>A. VCF-style: chr18-51048685-G-A. GRCh37 (hg19) VCF-style: chr18-48575055-G-A.
Other names: c.250-1G>A (NM_001407042.1, NM_001407041.1, NM_001407043.1).
Identifiers: ClinVar variation 821380 (VCV000821380.4), dbSNP rs1555685149, ClinGen allele CA402458162.

ClinVar aggregate classification (germline): Pathogenic (1 of 4 stars; one submission).

Conditions:
Familial thoracic aortic aneurysm and aortic dissection (TAAD). Also called: Thoracic aortic aneurysms and dissections. Identifiers: Orphanet 91387, MedGen C4707243, MONDO:0019625.
Hereditary cancer-predisposing syndrome. Also called: Neoplastic Syndromes, Hereditary; Tumor predisposition; Hereditary Cancer Syndrome; Hereditary neoplastic syndrome. Identifiers: Orphanet 140162, MedGen C0027672, MeSH D009386, MONDO:0015356.

Submission:

Ambry Genetics
Classification: Pathogenic for Hereditary cancer-predisposing syndrome; Familial thoracic aortic aneurysm and aortic dissection. Last evaluated: 2019-09-06. Review status: criteria provided, single submitter. Criteria: Ambry Variant Classification Scheme 2023. Collection method: clinical testing. Allele origin: germline.
Comment: The c.250-1G>A intronic variant results from a G to A substitution one nucleotide upstream from coding exon 2 of the SMAD4 gene. This nucleotide position is highly conserved in available vertebrate species. Using the BDGP and ESEfinder splice site prediction tools, the strength of the native acceptor splice site is weakened and shifted downstream one nucleotide resulting in a translational frameshift with a predicted alternate stop codon; however, direct evidence is unavailable. Alterations that disrupt the canonical splice site are expected to cause aberrant splicing, resulting in an abnormal protein or a transcript that is subject to nonsense-mediated mRNA decay. As such, this alteration is classified as likely pathogenic.